The following is an entry in ClinVar:

ClinVar aggregate classification (germline): Uncertain significance. Review status: criteria provided, multiple submitters, no conflicts (2 of 4 stars). 2 submissions from 2 submitters: Uncertain significance (2). Last evaluated 2022-09-01.

Conditions:
Severe combined immunodeficiency due to DNA-PKcs deficiency. Also called: IMMUNODEFICIENCY 26 WITH NEUROLOGIC ABNORMALITIES; Immunodeficiency 26 with or without neurologic abnormalities. Identifiers: Orphanet 317425, MedGen C4014833, MONDO:0014423, OMIM 615966.

Allele frequency attached by ClinVar (database versions not stated): gnomAD exomes below 0.00001; TOPMed 0.00002; gnomAD 0.00003 and 0.00004.

Submissions (2):

Labcorp Genetics (formerly Invitae), Labcorp
Classification: Uncertain significance for Severe combined immunodeficiency due to DNA-PKcs deficiency. Last evaluated: 2022-09-01. Review status: criteria provided, single submitter. Criteria: Invitae Variant Classification Sherloc (09022015). Collection method: clinical testing. Allele origin: germline.
Comment: This sequence change replaces alanine, which is neutral and non-polar, with valine, which is neutral and non-polar, at codon 945 of the PRKDC protein (p.Ala945Val). This variant is not present in population databases (gnomAD no frequency). This variant has not been reported in the literature in individuals affected with PRKDC-related conditions. ClinVar contains an entry for this variant (Variation ID: 1019040). Experimental studies and prediction algorithms are not available or were not evaluated, and the functional significance of this variant is currently unknown. In summary, the available evidence is currently insufficient to determine the role of this variant in disease. Therefore, it has been classified as a Variant of Uncertain Significance.

Ambry Genetics
Classification: Uncertain significance. Last evaluated: 2021-08-19. Review status: criteria provided, single submitter. Criteria: Ambry Variant Classification Scheme 2023. Collection method: clinical testing. Allele origin: germline.
Comment: The p.A945V variant (also known as c.2834C>T), located in coding exon 25 of the PRKDC gene, results from a C to T substitution at nucleotide position 2834. The alanine at codon 945 is replaced by valine, an amino acid with similar properties. This amino acid position is conserved. In addition, this alteration is predicted to be tolerated by in silico analysis. Since supporting evidence is limited at this time, the clinical significance of this alteration remains unclear.

NM_006904.7(PRKDC):c.2834C>T (p.Ala945Val)

Gene: PRKDC (protein kinase, DNA-activated, catalytic subunit; minus strand). Cytogenetic location: 8q11.21.
Variant type: single nucleotide variant.
Coding change: c.2834C>T on transcript NM_006904.7 (MANE Select); coding-DNA position 2834, C replaced by T.
Protein change: p.Ala945Val; replaces alanine 945 with valine.
Molecular consequence: missense variant.
Genome position (GRCh38, 1-based): chr8:47,912,510, G>A on the plus strand (C>T on the coding strand, the complement: PRKDC is on the minus strand). VCF-style: chr8-47912510-G-A. GRCh37 (hg19) VCF-style: chr8-48825070-G-A.
Other names: c.2834C>T, p.Ala945Val (NM_001081640.2); short protein forms A945V.
Identifiers: ClinVar variation 1019040 (VCV001019040.9), dbSNP rs892759827, ClinGen allele CA176159969.